The following is an entry in ClinVar:

NM_015450.3(POT1):c.1559A>G (p.Asp520Gly)

Gene: POT1 (protection of telomeres 1; minus strand). Cytogenetic location: 7q31.33.
Variant type: single nucleotide variant.
Coding change: c.1559A>G on transcript NM_015450.3 (MANE Select); coding-DNA position 1559, A replaced by G.
Protein change: p.Asp520Gly; replaces aspartic acid 520 with glycine.
Molecular consequence: missense variant. On other transcripts: non-coding transcript variant (2).
Genome position (GRCh38, 1-based): chr7:124,829,289, T>C on the plus strand (A>G on the coding strand, the complement: POT1 is on the minus strand). VCF-style: chr7-124829289-T-C. GRCh37 (hg19) VCF-style: chr7-124469343-T-C.
Other names: c.1166A>G, p.Asp389Gly (NM_001042594.2); short protein forms D520G, D389G.
Identifiers: ClinVar variation 486139 (VCV000486139.17), dbSNP rs1370868219, ClinGen allele CA369064456.

ClinVar aggregate classification (germline): Conflicting classifications of pathogenicity. Review status: criteria provided, conflicting classifications (1 of 4 stars). 3 submissions from 3 submitters: Uncertain significance (2); Likely benign (1). Last evaluated 2025-03-04.

Conditions:
Tumor predisposition syndrome 3 (TPDS3). Also called: Glioma susceptibility 9; LONG TELOMERE SYNDROME, POT1-RELATED; POT1 Tumor Predisposition; Melanoma, cutaneous malignant, susceptibility to, 10. Identifiers: Orphanet 618, MedGen C4014476, MONDO:0014368, OMIM 615848.
Melanoma, cutaneous malignant, susceptibility to, 1 (CMM1). Also called: B-K MOLE SYNDROME; MELANOMA, MALIGNANT; DYSPLASTIC NEVUS SYNDROME, HEREDITARY; FAMILIAL ATYPICAL MOLE-MALIGNANT MELANOMA SYNDROME. Identifiers: Orphanet 618, MedGen C1835047, MONDO:0007963, OMIM 155600.
Glioma susceptibility 1 (GLM1). Also called: Glioblastoma, somatic. Identifiers: MedGen C2750850, MONDO:0024498, OMIM 137800.
Hereditary cancer-predisposing syndrome. Also called: Hereditary neoplastic syndrome; Hereditary Cancer Syndrome; Neoplastic Syndromes, Hereditary; Tumor predisposition. Identifiers: Orphanet 140162, MedGen C0027672, MeSH D009386, MONDO:0015356.

Allele frequency attached by ClinVar (database versions not stated): gnomAD 0.00001; gnomAD exomes 0.00001; TOPMed 0.00001.
gnomAD v4.1: 17 of 1,606,178 alleles (0.0011%); highest among the groups gnomAD compares: Non-Finnish European, 0.0013%; no homozygotes.

Submissions (3):

Ambry Genetics
Classification: Likely benign for Hereditary cancer-predisposing syndrome. Last evaluated: 2025-03-04. Review status: criteria provided, single submitter. Criteria: Ambry Variant Classification Scheme 2023. Collection method: clinical testing. Allele origin: germline.

Labcorp Genetics (formerly Invitae), Labcorp
Classification: Uncertain significance for Tumor predisposition syndrome 3. Last evaluated: 2025-02-25. Review status: criteria provided, single submitter. Criteria: Invitae Variant Classification Sherloc (09022015). Collection method: clinical testing. Allele origin: germline.
Comment: This sequence change replaces aspartic acid, which is acidic and polar, with glycine, which is neutral and non-polar, at codon 520 of the POT1 protein (p.Asp520Gly). This variant is not present in population databases (gnomAD no frequency). This variant has not been reported in the literature in individuals affected with POT1-related conditions. ClinVar contains an entry for this variant (Variation ID: 486139). Invitae Evidence Modeling of protein sequence and biophysical properties (such as structural, functional, and spatial information, amino acid conservation, physicochemical variation, residue mobility, and thermodynamic stability) indicates that this missense variant is not expected to disrupt POT1 protein function with a negative predictive value of 80%. In summary, the available evidence is currently insufficient to determine the role of this variant in disease. Therefore, it has been classified as a Variant of Uncertain Significance.

GeneDx
Classification: Uncertain significance. Last evaluated: 2022-05-19. Review status: criteria provided, single submitter. Criteria: GeneDx Variant Classification Process June 2021. Collection method: clinical testing. Allele origin: germline. Affected: yes.
Comment: Not observed at significant frequency in large population cohorts (gnomAD); In silico analysis supports that this missense variant does not alter protein structure/function; Has not been previously published as pathogenic or benign to our knowledge; This variant is associated with the following publications: (PMID: 28393830)